The following is an entry in ClinVar:

ClinVar aggregate classification (germline): Uncertain significance. Review status: criteria provided, multiple submitters, no conflicts (2 of 4 stars). 5 submissions from 5 submitters: Uncertain significance (5). Last evaluated 2025-11-25.

Conditions:
Hereditary cancer-predisposing syndrome. Also called: Neoplastic Syndromes, Hereditary; Hereditary Cancer Syndrome; Tumor predisposition; Hereditary neoplastic syndrome. Identifiers: Orphanet 140162, MedGen C0027672, MeSH D009386, MONDO:0015356.
Familial cancer of breast. Also called: BREAST CANCER, FAMILIAL; hereditary breast carcinoma; Hereditary breast cancer. Identifiers: Orphanet 227535, MedGen C0346153, MONDO:0016419, OMIM 114480. Disease mechanism: loss of function.
Ataxia-telangiectasia syndrome (AT). Also called: Ataxia-telangiectasia, complementation group D; AT, COMPLEMENTATION GROUP C; Ataxia-telangiectasia; ATAXIA-TELANGIECTASIA, COMPLEMENTATION GROUP A; ATAXIA-TELANGIECTASIA, FRESNO VARIANT; Ataxia-telangiectasia, complementation group E. Identifiers: Orphanet 100, MedGen C0004135, MONDO:0008840, OMIM 208900.

Submissions (5):

Labcorp Genetics (formerly Invitae), Labcorp
Classification: Uncertain significance for Ataxia-telangiectasia syndrome. Last evaluated: 2025-11-25. Review status: criteria provided, single submitter. Criteria: Invitae Variant Classification Sherloc (09022015). Collection method: clinical testing. Allele origin: germline.
Comment: This sequence change replaces glutamic acid, which is acidic and polar, with alanine, which is neutral and non-polar, at codon 2374 of the ATM protein (p.Glu2374Ala). This variant is not present in population databases (gnomAD no frequency). This variant has not been reported in the literature in individuals affected with ATM-related conditions. ClinVar contains an entry for this variant (Variation ID: 142089). Invitae Evidence Modeling of protein sequence and biophysical properties (such as structural, functional, and spatial information, amino acid conservation, physicochemical variation, residue mobility, and thermodynamic stability) indicates that this missense variant is not expected to disrupt ATM protein function with a negative predictive value of 95%. In summary, the available evidence is currently insufficient to determine the role of this variant in disease. Therefore, it has been classified as a Variant of Uncertain Significance.

Color Diagnostics, LLC DBA Color Health
Classification: Uncertain significance for Hereditary cancer-predisposing syndrome. Last evaluated: 2023-12-04. Review status: criteria provided, single submitter. Criteria: ACMG Guidelines, 2015. Collection method: clinical testing. Allele origin: germline.
Comment: This missense variant replaces glutamic acid with alanine at codon 2374 of the ATM protein. Computational prediction suggests that this variant may not impact protein structure and function (internally defined REVEL score threshold <= 0.5, PMID: 27666373). To our knowledge, functional studies have not been reported for this variant. This variant has not been reported in individuals affected with ATM-related disorders in the literature. This variant has not been identified in the general population by the Genome Aggregation Database (gnomAD). The available evidence is insufficient to determine the role of this variant in disease conclusively. Therefore, this variant is classified as a Variant of Uncertain Significance.

Baylor Genetics
Classification: Uncertain significance for Familial cancer of breast. Last evaluated: 2023-11-08. Review status: criteria provided, single submitter. Criteria: ACMG Guidelines, 2015. Collection method: clinical testing. Allele origin: unknown.

Ambry Genetics
Classification: Uncertain significance for Hereditary cancer-predisposing syndrome. Last evaluated: 2023-10-16. Review status: criteria provided, single submitter. Criteria: Ambry Variant Classification Scheme 2023. Collection method: clinical testing. Allele origin: germline.
Comment: The p.E2374A variant (also known as c.7121A>C), located in coding exon 48 of the ATM gene, results from an A to C substitution at nucleotide position 7121. The glutamic acid at codon 2374 is replaced by alanine, an amino acid with dissimilar properties. This amino acid position is not well conserved in available vertebrate species. In addition, this alteration is predicted to be tolerated by in silico analysis. Since supporting evidence is limited at this time, the clinical significance of this alteration remains unclear.

Fulgent Genetics
Classification: Uncertain significance for Familial cancer of breast; Ataxia-telangiectasia syndrome. Last evaluated: 2022-05-12. Review status: criteria provided, single submitter. Criteria: ACMG Guidelines, 2015. Collection method: clinical testing. Allele origin: unknown.

NM_000051.4(ATM):c.7121A>C (p.Glu2374Ala)

Genes: ATM (ATM serine/threonine kinase; plus strand), C11orf65 (chromosome 11 open reading frame 65; minus strand). Cytogenetic location: 11q22.3.
Variant type: single nucleotide variant.
Coding change: c.7121A>C on transcript NM_000051.4 (MANE Select); coding-DNA position 7121, A replaced by C.
Protein change: p.Glu2374Ala; replaces glutamic acid 2374 with alanine.
Molecular consequence: missense variant. On other transcripts: intron variant (2).
Genome position (GRCh38, 1-based): chr11:108,329,052, A>C. VCF-style: chr11-108329052-A-C. GRCh37 (hg19) VCF-style: chr11-108199779-A-C.
Other names: c.7121A>C, p.Glu2374Ala (NM_001351834.2); c.641-19981T>G (NM_001330368.2); c.*38+6168T>G (NM_001351110.2); short protein forms E2374A.
Identifiers: ClinVar variation 142089 (VCV000142089.15), dbSNP rs587782225, ClinGen allele CA167374.